The following is an entry in ClinVar:

NM_001012339.3(DNAJC21):c.690G>C (p.Glu230Asp)

Gene: DNAJC21 (DnaJ heat shock protein family (Hsp40) member C21; plus strand). Cytogenetic location: 5p13.2.
Variant type: single nucleotide variant.
Coding change: c.690G>C on transcript NM_001012339.3 (MANE Select); coding-DNA position 690, G replaced by C.
Protein change: p.Glu230Asp; replaces glutamic acid 230 with aspartic acid.
Molecular consequence: missense variant.
Genome position (GRCh38, 1-based): chr5:34,937,577, G>C. VCF-style: chr5-34937577-G-C. GRCh37 (hg19) VCF-style: chr5-34937682-G-C.
Other names: c.690G>C, p.Glu230Asp (NM_001348420.2, NM_194283.4); short protein forms E230D.
Identifiers: ClinVar variation 2787515 (VCV002787515.3), dbSNP rs2480599629, ClinGen allele CA359415626.
Genomic context (GRCh38, chr5:34,937,577, plus strand): 5'-TCGTAAAAGAGATAAAAGAGTGCAGGCGCATCGAAAACTTGTGGAAGAACAGAATGCAGA[G>C]AAGGCGAGGAAAGCCGAAGAGATGAGGCGGCAGCAGAAGCTAAAGCAGGCCAAGTGCGTA-3'
Protein context (NP_001012339.2, residues 220-240): HRKLVEEQNA[Glu230Asp]KARKAEEMRR

ClinVar aggregate classification (germline): Uncertain significance (1 of 4 stars; one submission).

Submission:

Labcorp Genetics (formerly Invitae), Labcorp
Classification: Uncertain significance. Last evaluated: 2024-05-06. Review status: criteria provided, single submitter. Criteria: Invitae Variant Classification Sherloc (09022015). Collection method: clinical testing. Allele origin: germline.
Comment: This sequence change replaces glutamic acid, which is acidic and polar, with aspartic acid, which is acidic and polar, at codon 230 of the DNAJC21 protein (p.Glu230Asp). This variant is not present in population databases (gnomAD no frequency). This variant has not been reported in the literature in individuals affected with DNAJC21-related conditions. An algorithm developed to predict the effect of missense changes on protein structure and function (PolyPhen-2) suggests that this variant is likely to be disruptive. In summary, the available evidence is currently insufficient to determine the role of this variant in disease. Therefore, it has been classified as a Variant of Uncertain Significance.